The following is an entry in ClinVar:

ClinVar aggregate classification (germline): Conflicting classifications of pathogenicity. Review status: criteria provided, conflicting classifications (1 of 4 stars). 2 submissions from 2 submitters: Uncertain significance (1); Likely benign (1). Last evaluated 2024-10-16.

Conditions:
Inborn genetic diseases. Identifiers: MedGen C0950123, MeSH D030342.
Hereditary insensitivity to pain with anhidrosis (CIPA). Also called: hereditary sensory and autonomic neuropathy type 4; INSENSITIVITY TO PAIN, CONGENITAL, WITH ANHIDROSIS; FAMILIAL DYSAUTONOMIA, TYPE II; NEUROPATHY, CONGENITAL SENSORY, WITH ANHIDROSIS; HSAN Type IV; NTRK1 Congenital Insensitivity to Pain with Anhidrosis. Identifiers: Orphanet 642, MedGen C0020074, MONDO:0009746, OMIM 256800.

Allele frequency attached by ClinVar (database versions not stated): gnomAD exomes 0.00002; ExAC 0.00003; ESP Exome Variant Server 0.00023; gnomAD 0.00023; TOPMed 0.00027.
gnomAD v4.1: 64 of 1,614,088 alleles (0.004%); highest among the groups gnomAD compares: African/African-American, 0.084%; no homozygotes.

Submissions (2):

Labcorp Genetics (formerly Invitae), Labcorp
Classification: Likely benign for Hereditary insensitivity to pain with anhidrosis. Last evaluated: 2024-10-16. Review status: criteria provided, single submitter. Criteria: Invitae Variant Classification Sherloc (09022015). Collection method: clinical testing. Allele origin: germline.

Ambry Genetics
Classification: Uncertain significance for Inborn genetic diseases. Last evaluated: 2020-12-01. Review status: criteria provided, single submitter. Criteria: Ambry Variant Classification Scheme 2023. Collection method: clinical testing. Allele origin: germline.
Comment: The p.E142K variant (also known as c.424G>A), located in coding exon 4 of the NTRK1 gene, results from a G to A substitution at nucleotide position 424. The glutamic acid at codon 142 is replaced by lysine, an amino acid with similar properties. This amino acid position is well conserved in available vertebrate species. In addition, this alteration is predicted to be tolerated by in silico analysis. Since supporting evidence is limited at this time, the clinical significance of this alteration remains unclear.

NM_002529.4(NTRK1):c.424G>A (p.Glu142Lys)

Gene: NTRK1 (neurotrophic receptor tyrosine kinase 1; plus strand). Cytogenetic location: 1q23.1.
Variant type: single nucleotide variant.
Coding change: c.424G>A on transcript NM_002529.4 (MANE Select); coding-DNA position 424, G replaced by A.
Protein change: p.Glu142Lys; replaces glutamic acid 142 with lysine.
Molecular consequence: missense variant.
Genome position (GRCh38, 1-based): chr1:156,866,974, G>A. VCF-style: chr1-156866974-G-A. GRCh37 (hg19) VCF-style: chr1-156836766-G-A.
Other names: c.424G>A, p.Glu142Lys (NM_001007204.1, NM_001012331.2); c.334G>A, p.Glu112Lys (NM_001007792.1); short protein forms E142K, E112K.
Identifiers: ClinVar variation 1739071 (VCV001739071.7), dbSNP rs370483210, ClinGen allele CA1168953.